The following is an entry in ClinVar:

ClinVar aggregate classification (germline): Uncertain significance (1 of 4 stars; one submission).

Allele frequency attached by ClinVar (database versions not stated): TOPMed 0.00001; gnomAD 0.00002.

Submission:

Labcorp Genetics (formerly Invitae), Labcorp
Classification: Uncertain significance. Last evaluated: 2023-08-17. Review status: criteria provided, single submitter. Criteria: Invitae Variant Classification Sherloc (09022015). Collection method: clinical testing. Allele origin: germline.
Comment: The MOCS2 gene encodes two different proteins which are translated from alternative transcripts, MOCS2A and MOCS2B, that have different open reading frames. This variant occurs in MOCS2B, and also corresponds to c.246C>T (Silent) in MOCS2A. This sequence change replaces serine, which is neutral and polar, with phenylalanine, which is neutral and non-polar, at codon 20 of the MOCS2B protein (p.Ser20Phe). This variant is not present in population databases (gnomAD no frequency). This variant has not been reported in the literature in individuals affected with MOCS2B-related conditions. ClinVar contains an entry for this variant (Variation ID: 1357285). An algorithm developed to predict the effect of missense changes on protein structure and function (PolyPhen-2) suggests that this variant is likely to be tolerated. In summary, the available evidence is currently insufficient to determine the role of this variant in disease. Therefore, it has been classified as a Variant of Uncertain Significance. Please note, this variant is also classified as Likely Benign in MOCS2A.

NM_004531.5(MOCS2):c.59C>T (p.Ser20Phe)

Gene: MOCS2 (molybdenum cofactor synthesis 2; minus strand). Cytogenetic location: 5q11.2.
Variant type: single nucleotide variant.
Coding change: c.59C>T on transcript NM_004531.5 (MANE Select); coding-DNA position 59, C replaced by T.
Protein change: p.Ser20Phe; replaces serine 20 with phenylalanine.
Molecular consequence: missense variant. On other transcripts: synonymous variant (1).
Genome position (GRCh38, 1-based): chr5:53,107,116, G>A on the plus strand (C>T on the coding strand, the complement: MOCS2 is on the minus strand). VCF-style: chr5-53107116-G-A. GRCh37 (hg19) VCF-style: chr5-52402946-G-A.
Other names: c.246C>T, p.Ile82= (NM_176806.4); short protein forms S20F.
Identifiers: ClinVar variation 1357285 (VCV001357285.6), dbSNP rs983241087, ClinGen allele CA118892013.